The following is an entry in ClinVar:

NM_177972.3(TUB):c.540T>C (p.Asp180=)

Genes: RIC3 (RIC3 acetylcholine receptor chaperone; minus strand), TUB (TUB bipartite transcription factor; plus strand). Cytogenetic location: 11p15.4.
Variant type: single nucleotide variant.
Coding change: c.540T>C on transcript NM_177972.3 (MANE Select); coding-DNA position 540, T replaced by C.
Protein change: p.Asp180=; no amino-acid change (aspartic acid 180 retained).
Molecular consequence: synonymous variant.
Genome position (GRCh38, 1-based): chr11:8,095,640, T>C. VCF-style: chr11-8095640-T-C. GRCh37 (hg19) VCF-style: chr11-8117187-T-C.
Other names: c.705T>C, p.Asp235= (NM_003320.5); c.705T>C (NM_003320.4).
Identifiers: ClinVar variation 2022650 (VCV002022650.5), dbSNP rs758541983, ClinGen allele CA473009358.

ClinVar aggregate classification (germline): Likely benign. Review status: criteria provided, single submitter (1 of 4 stars). 2 submissions from 2 submitters: Likely benign (1). 1 of the submissions does not count toward it. Last evaluated 2022-08-08.

Conditions:
TUB-related disorder. Also called: TUB-related condition.

Submissions (2):

Labcorp Genetics (formerly Invitae), Labcorp
Classification: Likely benign. Last evaluated: 2022-08-08. Review status: criteria provided, single submitter. Criteria: Invitae Variant Classification Sherloc (09022015). Collection method: clinical testing. Allele origin: germline.

PreventionGenetics, part of Exact Sciences
Classification: Likely benign for TUB-related condition. Last evaluated: 2023-05-29. Review status: no assertion criteria provided. Collection method: clinical testing. Allele origin: germline. Not counted in ClinVar's aggregate classification.
Comment: This variant is classified as likely benign based on ACMG/AMP sequence variant interpretation guidelines (Richards et al. 2015 PMID: 25741868, with internal and published modifications).